The following is an entry in ClinVar:

NM_198334.3(GANAB):c.589G>A (p.Asp197Asn)

Gene: GANAB (glucosidase II alpha subunit; minus strand). Cytogenetic location: 11q12.3.
Variant type: single nucleotide variant.
Coding change: c.589G>A on transcript NM_198334.3 (MANE Select); coding-DNA position 589, G replaced by A.
Protein change: p.Asp197Asn; replaces aspartic acid 197 with asparagine.
Molecular consequence: missense variant. On other transcripts: 5 prime UTR variant (2).
Genome position (GRCh38, 1-based): chr11:62,633,486, C>T on the plus strand (G>A on the coding strand, the complement: GANAB is on the minus strand). VCF-style: chr11-62633486-C-T. GRCh37 (hg19) VCF-style: chr11-62400958-C-T.
Other names: c.313G>A, p.Asp105Asn (NM_001278192.2); c.247G>A, p.Asp83Asn (NM_001278193.2); c.298G>A, p.Asp100Asn (NM_001278194.2, NM_001329222.2, NM_001329223.2); c.-135G>A (NM_001329224.2, NM_001329225.2); c.655G>A, p.Asp219Asn (NM_198335.4); c.655G>A (NM_198335.2); short protein forms D83N, D197N, D219N, D100N, D105N.
Identifiers: ClinVar variation 2073110 (VCV002073110.7), dbSNP rs772866333, ClinGen allele CA6051009.

ClinVar aggregate classification (germline): Uncertain significance. Review status: criteria provided, multiple submitters, no conflicts (2 of 4 stars). 3 submissions from 3 submitters: Uncertain significance (3). Last evaluated 2025-08-06.

Conditions:
Polycystic kidney disease 3 with or without polycystic liver disease. Also called: POLYCYSTIC KIDNEY DISEASE, ADULT, TYPE III; Polycystic Kidney and/or Polycystic Liver Disease 3; Polycystic kidney disease 3. Identifiers: MedGen C3887964, MONDO:0010916, OMIM 600666.
Inborn genetic diseases. Identifiers: MedGen C0950123, MeSH D030342.

Allele frequency attached by ClinVar (database versions not stated): ExAC 0.00001; gnomAD 0.00002.
gnomAD v4.1: 55 of 1,613,886 alleles (0.0034%); highest among the groups gnomAD compares: Middle Eastern, 0.017%; no homozygotes.

Submissions (3):

Labcorp Genetics (formerly Invitae), Labcorp
Classification: Uncertain significance. Last evaluated: 2025-08-06. Review status: criteria provided, single submitter. Criteria: Invitae Variant Classification Sherloc (09022015). Collection method: clinical testing. Allele origin: germline.
Comment: This sequence change replaces aspartic acid, which is acidic and polar, with asparagine, which is neutral and polar, at codon 219 of the GANAB protein (p.Asp219Asn). This variant is present in population databases (rs772866333, gnomAD 0.005%). This variant has not been reported in the literature in individuals affected with GANAB-related conditions. ClinVar contains an entry for this variant (Variation ID: 2073110). An algorithm developed to predict the effect of missense changes on protein structure and function outputs the following: PolyPhen-2: "Benign". The asparagine amino acid residue is found in multiple mammalian species, which suggests that this missense change does not adversely affect protein function. In summary, the available evidence is currently insufficient to determine the role of this variant in disease. Therefore, it has been classified as a Variant of Uncertain Significance.

Fulgent Genetics
Classification: Uncertain significance for Polycystic kidney disease 3 with or without polycystic liver disease. Last evaluated: 2024-06-06. Review status: criteria provided, single submitter. Criteria: ACMG Guidelines, 2015. Collection method: clinical testing. Allele origin: germline.

Ambry Genetics
Classification: Uncertain significance for Inborn genetic diseases. Last evaluated: 2023-04-12. Review status: criteria provided, single submitter. Criteria: Ambry Variant Classification Scheme 2023. Collection method: clinical testing. Allele origin: germline.